The following is an entry in ClinVar:

NC_000023.10:g.(?_22056567)_(22266301_?)dup

Gene: PHEX (phosphate regulating endopeptidase X-linked; plus strand). Cytogenetic location: Xp22.11.
Variant type: Duplication.
Identifiers: ClinVar variation 2423103 (VCV002423103.2).

ClinVar aggregate classification (germline): Uncertain significance (1 of 4 stars; one submission).

Submission:

Labcorp Genetics (formerly Invitae), Labcorp
Classification: Uncertain significance. Last evaluated: 2021-10-14. Review status: criteria provided, single submitter. Criteria: Invitae Variant Classification Sherloc (09022015). Collection method: clinical testing. Allele origin: germline.
Comment: This variant results in a copy number gain of the genomic region encompassing exon(s) 2-22 of the PHEX gene. This region includes the termination codon of the gene. This copy number gain extends beyond the assayed region for this gene and therefore may encompass additional genes. As the precise location of this event is unknown, it may be in tandem or it may be located elsewhere in the genome. This variant has not been reported in the literature in individuals affected with PHEX-related conditions. Experimental studies and prediction algorithms are not available or were not evaluated, and the functional significance of this variant is currently unknown. In summary, the available evidence is currently insufficient to determine the role of this variant in disease. Therefore, it has been classified as a Variant of Uncertain Significance.